The following is an entry in ClinVar:

ClinVar aggregate classification (germline): Pathogenic. Review status: reviewed by expert panel (3 of 4 stars). 4 submissions from 4 submitters: Pathogenic (1). 3 of the submissions do not count toward it. Last evaluated 2017-12-15.

Conditions:
Hereditary cancer-predisposing syndrome. Also called: Neoplastic Syndromes, Hereditary; Hereditary neoplastic syndrome; Hereditary Cancer Syndrome; Tumor predisposition. Identifiers: Orphanet 140162, MedGen C0027672, MeSH D009386, MONDO:0015356.
Breast-ovarian cancer, familial, susceptibility to, 1 (BROVCA1). Also called: BRCA1 Hereditary Breast and Ovarian Cancer; OVARIAN CANCER, SUSCEPTIBILITY TO. Identifiers: Orphanet 145, MedGen C2676676, MONDO:0011450, OMIM 604370. Disease mechanism: loss of function.
Hereditary breast ovarian cancer syndrome. Also called: Hereditary breast and ovarian cancer syndrome; Breast and ovarian cancer; Hereditary breast and ovarian cancer syndrome (HBOC); Hereditary breast and/or ovarian cancer syndrome; BRCA1- and BRCA2-Associated Hereditary Breast and Ovarian Cancer; Hereditary breast and ovarian cancer. Identifiers: Orphanet 145, MedGen C0677776, MeSH D061325, MONDO:0003582. Disease mechanism: loss of function.

Submissions (4):

Evidence-based Network for the Interpretation of Germline Mutant Alleles (ENIGMA)
Classification: Pathogenic for Breast-ovarian cancer, familial, susceptibility to, 1. Last evaluated: 2017-12-15. Review status: reviewed by expert panel. Criteria: ENIGMA BRCA1/2 Classification Criteria (2017-06-29). Collection method: curation. Allele origin: germline. Study: ENIGMA.
Comment: Variant allele predicted to encode a truncated non-functional protein.

Labcorp Genetics (formerly Invitae), Labcorp
Classification: Pathogenic for Hereditary breast ovarian cancer syndrome. Last evaluated: 2023-08-24. Review status: criteria provided, single submitter. Criteria: Invitae Variant Classification Sherloc (09022015). Collection method: clinical testing. Allele origin: germline. Not counted in ClinVar's aggregate classification.
Comment: This sequence change creates a premature translational stop signal (p.Cys712Valfs*6) in the BRCA1 gene. It is expected to result in an absent or disrupted protein product. Loss-of-function variants in BRCA1 are known to be pathogenic (PMID: 20104584). For these reasons, this variant has been classified as Pathogenic. This variant has not been reported in the literature in individuals affected with BRCA1-related conditions. This variant is not present in population databases (gnomAD no frequency).

Quest Diagnostics Nichols Institute San Juan Capistrano
Classification: Pathogenic. Last evaluated: 2017-06-13. Review status: criteria provided, single submitter. Criteria: Quest Diagnostics criteria. Collection method: clinical testing. Allele origin: germline. Not counted in ClinVar's aggregate classification.

Ambry Genetics
Classification: Pathogenic for Hereditary cancer-predisposing syndrome. Last evaluated: 2016-03-22. Review status: criteria provided, single submitter. Criteria: Ambry Variant Classification Scheme 2023. Collection method: clinical testing. Allele origin: germline. Not counted in ClinVar's aggregate classification.
Comment: The c.2130delTinsAA pathogenic mutation, located in coding exon 9 of the BRCA1 gene, results from the deletion of one nucleotide and insertion of two nucleotides causing a translational frameshift with a predicted alternate stop codon. Since frameshifts are typically deleterious in nature, this alteration is interpreted as a disease-causing mutation (ACMG Recommendations for Standards for Interpretation and Reporting of Sequence Variations. Revision 2007. Genet Med. 2008;10:294).

Literature cited by the submitters: PubMed 20104584 (cited by Labcorp Genetics (formerly Invitae), Labcorp).

NM_007294.4(BRCA1):c.2130delinsAA (p.Cys712fs)

Gene: BRCA1 (BRCA1 DNA repair associated; minus strand). Cytogenetic location: 17q21.31.
Variant type: Indel.
Coding change: c.2130delinsAA on transcript NM_007294.4 (MANE Select); coding-DNA position 2130, T replaced by AA.
Protein change: p.Cys712fs; shifts the reading frame from cysteine 712.
Molecular consequence: frameshift variant. On other transcripts: intron variant (137).
Genome position (GRCh38, 1-based): chr17:43,093,401, A replaced by TT on the plus strand (T replaced by AA on the coding strand, the reverse complement: BRCA1 is on the minus strand). VCF-style: chr17-43093401-A-TT. GRCh37 (hg19) VCF-style: chr17-41245418-A-TT.
Other names: c.1917delinsAA, p.Cys641fs (NM_001407571.1, NM_001407853.1, NM_001407894.1 and 9 more transcripts); c.2130delinsAA, p.Cys712fs (NM_001407581.1, NM_001407582.1, NM_001407583.1 and 30 more transcripts); c.2127delinsAA, p.Cys711fs (NM_001407587.1, NM_001407590.1, NM_001407591.1 and 22 more transcripts); c.2007delinsAA, p.Cys671fs (NM_001407648.1, NM_001407668.1, NM_001407669.1 and 19 more transcripts); c.2004delinsAA, p.Cys670fs (NM_001407649.1, NM_001407670.1, NM_001407671.1 and 11 more transcripts); c.2052delinsAA, p.Cys686fs (NM_001407653.1, NM_001407654.1, NM_001407655.1 and 4 more transcripts); c.1989delinsAA, p.Cys665fs (NM_001407692.1, NM_001407694.1, NM_001407730.1 and 29 more transcripts); c.1986delinsAA, p.Cys664fs (NM_001407748.1, NM_001407749.1, NM_001407838.1 and 20 more transcripts); and 41 more; short protein forms C665fs, C712fs, C585fs, C600fs, C644fs, C645fs, C670fs, C685fs.
Identifiers: ClinVar variation 409309 (VCV000409309.7), dbSNP rs1060502332, ClinGen allele CA16615778.